The following is an entry in ClinVar:

NM_000925.4(PDHB):c.426A>G (p.Ile142Met)

Gene: PDHB (pyruvate dehydrogenase E1 subunit beta; minus strand). Cytogenetic location: 3p14.3.
Variant type: single nucleotide variant.
Coding change: c.426A>G on transcript NM_000925.4 (MANE Select); coding-DNA position 426, A replaced by G.
Protein change: p.Ile142Met; replaces isoleucine 142 with methionine.
Molecular consequence: missense variant. On other transcripts: non-coding transcript variant (1), intron variant (1).
Genome position (GRCh38, 1-based): chr3:58,430,820, T>C on the plus strand (A>G on the coding strand, the complement: PDHB is on the minus strand). VCF-style: chr3-58430820-T-C. GRCh37 (hg19) VCF-style: chr3-58416547-T-C.
Other names: c.426A>G (NM_000925.3); c.372A>G, p.Ile124Met (NM_001315536.2); c.403+23A>G (NM_001173468.2); short protein forms I142M, I124M.
Identifiers: ClinVar variation 978591 (VCV000978591.8), dbSNP rs151247980, ClinGen allele CA2471560.

ClinVar aggregate classification (germline): Conflicting classifications of pathogenicity. Review status: criteria provided, conflicting classifications (1 of 4 stars). 4 submissions from 4 submitters: Likely pathogenic (1); Uncertain significance (2). 1 of the submissions does not count toward it. Last evaluated 2024-11-04.

Conditions:
Pyruvate dehydrogenase E1-beta deficiency (PDHBD). Identifiers: Orphanet 255138, Orphanet 765, MedGen C3279841, MONDO:0013580, OMIM 614111.

Allele frequency attached by ClinVar (database versions not stated): gnomAD exomes 0.00002 and 0.00003; ExAC 0.00004; gnomAD 0.00005; TOPMed 0.00007; ESP Exome Variant Server 0.00031.
gnomAD v4.1: 29 of 1,614,054 alleles (0.0018%); highest among the groups gnomAD compares: African/African-American, 0.011%; no homozygotes.

Submissions (4):

Labcorp Genetics (formerly Invitae), Labcorp
Classification: Uncertain significance for Pyruvate dehydrogenase E1-beta deficiency. Last evaluated: 2024-11-04. Review status: criteria provided, single submitter. Criteria: Invitae Variant Classification Sherloc (09022015). Collection method: clinical testing. Allele origin: germline.
Comment: This sequence change replaces isoleucine, which is neutral and non-polar, with methionine, which is neutral and non-polar, at codon 142 of the PDHB protein (p.Ile142Met). This variant is present in population databases (rs151247980, gnomAD 0.03%). This missense change has been observed in individual(s) with pyruvate dehydrogenase deficiency (PMID: 18164639; internal data). ClinVar contains an entry for this variant (Variation ID: 978591). Invitae Evidence Modeling of protein sequence and biophysical properties (such as structural, functional, and spatial information, amino acid conservation, physicochemical variation, residue mobility, and thermodynamic stability) indicates that this missense variant is not expected to disrupt PDHB protein function with a negative predictive value of 80%. In summary, the available evidence is currently insufficient to determine the role of this variant in disease. Therefore, it has been classified as a Variant of Uncertain Significance.

Baylor Genetics
Classification: Likely pathogenic for Pyruvate dehydrogenase E1-beta deficiency. Last evaluated: 2024-03-07. Review status: criteria provided, single submitter. Criteria: ACMG Guidelines, 2015. Collection method: clinical testing. Allele origin: unknown.

Women's Health and Genetics/Laboratory Corporation of America, LabCorp
Classification: Uncertain significance. Last evaluated: 2023-05-10. Review status: criteria provided, single submitter. Criteria: LabCorp Variant Classification Summary - May 2015. Collection method: clinical testing. Allele origin: germline.
Comment: Variant summary: PDHB c.426A>G (p.Ile142Met) results in a conservative amino acid change located in the Transketolase-like, pyrimidine-binding domain (IPR005475) of the encoded protein sequence. Three of five in-silico tools predict a damaging effect of the variant on protein function. The variant allele was found at a frequency of 3.2e-05 in 251492 control chromosomes (gnomAD). The available data on variant occurrences in the general population are insufficient to allow any conclusion about variant significance. c.426A>G has been reported in the literature in an individual affected with Pyruvate Dehydrogenase E1-Beta Deficiency (example: Okajima_2008). These report(s) do not provide unequivocal conclusions about association of the variant with Pyruvate Dehydrogenase E1-Beta Deficiency. To our knowledge, no experimental evidence demonstrating an impact on protein function has been reported. The following publication has been ascertained in the context of this evaluation (PMID: 18164639). One clinical diagnostic laboratories have submitted clinical-significance assessments for this variant to ClinVar after 2014 and classified the variant as uncertain significance. Based on the evidence outlined above, the variant was classified as uncertain significance.

OMIM
Classification: Pathogenic for PYRUVATE DEHYDROGENASE E1-BETA DEFICIENCY. Last evaluated: 2020-09-25. Review status: no assertion criteria provided. Collection method: literature only. Allele origin: germline. Not counted in ClinVar's aggregate classification.

Literature cited by the submitters: PubMed 18164639 (cited by 3 submitters).